The following is an entry in ClinVar:

ClinVar aggregate classification (germline): Likely pathogenic (0 of 4 stars; one submission).

Conditions:
PAX1-related disorder. Also called: PAX1-related condition.

Submission:

PreventionGenetics, part of Exact Sciences
Classification: Likely pathogenic for PAX1-related condition. Last evaluated: 2024-05-31. Review status: no assertion criteria provided. Collection method: clinical testing. Allele origin: germline.
Comment: The PAX1 c.501dupG variant is predicted to result in a frameshift and premature protein termination (p.Ser168Glufs*40). To our knowledge, this variant has not been reported in the literature. This variant is reported in 0.00088% of alleles in individuals of European (Non-Finnish) descent in gnomAD. However, allele frequency data should be interpreted with caution due to limitations of next-generation sequencing technology to accurately sequence repetitive regions. An alternative variant, c.501del, has been reported in the homozygous state in an individual with otofaciocervical syndrome type 2 (Sherlaw-Sturrock et al. 2022. PubMed ID: 35595062). Frameshift variants in PAX1 are expected to be pathogenic. This variant is interpreted as likely pathogenic.

NM_001257096.2(PAX1):c.501dup (p.Ser168fs)

Gene: PAX1 (paired box 1; plus strand). Cytogenetic location: 20p11.22.
Variant type: Duplication.
Coding change: c.501dup on transcript NM_001257096.2 (MANE Select); coding-DNA position 501, one base duplicated (G; older notation c.501dupG).
Protein change: p.Ser168fs; shifts the reading frame from serine 168.
Molecular consequence: frameshift variant.
Genome position (GRCh38, 1-based): chr20:21,706,652, G duplicated; the last of 6 consecutive G bases (chr20:21,706,647-21,706,652); duplicating any one gives the same sequence. VCF-style (leftmost placement, unchanged base first): chr20-21706646-C-CG. GRCh37 (hg19) VCF-style: chr20-21687284-C-CG.
Other names: c.501dup, p.Ser168fs (NM_006192.5); short protein forms S168fs.
Identifiers: ClinVar variation 3357711 (VCV003357711.1).